The following is an entry in ClinVar:

NM_001384732.1(CPLANE1):c.7078_7087del (p.Pro2360fs)

Gene: CPLANE1 (ciliogenesis and planar polarity effector complex subunit 1; minus strand). Cytogenetic location: 5p13.2.
Variant type: Deletion.
Coding change: c.7078_7087del on transcript NM_001384732.1 (MANE Select); coding-DNA positions 7078 to 7087, 10 bases deleted (CCGTTACTAT; older notation c.7078_7087delCCGTTACTAT).
Protein change: p.Pro2360fs; shifts the reading frame from proline 2360.
Molecular consequence: frameshift variant.
Genome position (GRCh38, 1-based): chr5:37,168,937-37,168,946, ATAGTAACGG deleted on the plus strand (CCGTTACTAT on the coding strand, the reverse complement: CPLANE1 is on the minus strand); deleting any 10 consecutive bases within chr5:37,168,937-37,168,947 gives the same sequence; the c. name uses the placement nearest the transcript's 3' end. VCF-style (leftmost placement, unchanged base first): chr5-37168936-TATAGTAACGG-T. GRCh37 (hg19) VCF-style: chr5-37169038-TATAGTAACGG-T.
Other names: c.7078_7087del, p.Pro2360fs (NM_023073.4); short protein forms P2360fs.
Identifiers: ClinVar variation 3696301 (VCV003696301.2).

ClinVar aggregate classification (germline): Pathogenic (1 of 4 stars; one submission).

Submission:

Labcorp Genetics (formerly Invitae), Labcorp
Classification: Pathogenic. Last evaluated: 2024-02-11. Review status: criteria provided, single submitter. Criteria: Invitae Variant Classification Sherloc (09022015). Collection method: clinical testing. Allele origin: germline.
Comment: This sequence change creates a premature translational stop signal (p.Pro2360Thrfs*28) in the CPLANE1 gene. It is expected to result in an absent or disrupted protein product. Loss-of-function variants in CPLANE1 are known to be pathogenic (PMID: 24178751, 26092869). This variant is not present in population databases (gnomAD no frequency). This variant has not been reported in the literature in individuals affected with CPLANE1-related conditions. For these reasons, this variant has been classified as Pathogenic.

Literature cited by the submitters: PubMed 24178751; PubMed 26092869.